The following is an entry in ClinVar:

NM_006662.3(SRCAP):c.7571C>G (p.Ser2524Cys)

Gene: SRCAP (Snf2 related CREBBP activator protein; plus strand). Cytogenetic location: 16p11.2.
Variant type: single nucleotide variant.
Coding change: c.7571C>G on transcript NM_006662.3 (MANE Select); coding-DNA position 7571, C replaced by G.
Protein change: p.Ser2524Cys; replaces serine 2524 with cysteine.
Molecular consequence: missense variant.
Genome position (GRCh38, 1-based): chr16:30,737,611, C>G. VCF-style: chr16-30737611-C-G. GRCh37 (hg19) VCF-style: chr16-30748932-C-G.
Other names: short protein forms S2524C.
Identifiers: ClinVar variation 596363 (VCV000596363.40), dbSNP rs75125670, ClinGen allele CA8012512.

ClinVar aggregate classification (germline): Benign/Likely benign. Review status: criteria provided, multiple submitters, no conflicts (2 of 4 stars). 5 submissions from 5 submitters: Benign (3); Likely benign (2). Last evaluated 2026-01-25.

Allele frequency attached by ClinVar (database versions not stated): ExAC 0.00204; 1000 Genomes Project 0.00659; 1000 Genomes Project 30x 0.00687; ESP Exome Variant Server 0.00693; gnomAD 0.00711; TOPMed 0.00782.
gnomAD v4.1: 1,988 of 1,614,040 alleles (0.12%); highest among the groups gnomAD compares: African/African-American, 2.3%; 26 homozygotes.

Submissions (5):

Labcorp Genetics (formerly Invitae), Labcorp
Classification: Benign. Last evaluated: 2026-01-25. Review status: criteria provided, single submitter. Criteria: Invitae Variant Classification Sherloc (09022015). Collection method: clinical testing. Allele origin: germline.

CeGaT Center for Human Genetics Tuebingen
Classification: Benign. Last evaluated: 2023-02-01. Review status: criteria provided, single submitter. Criteria: CeGaT Center For Human Genetics Tuebingen Variant Classification Criteria Version 2. Collection method: clinical testing. Allele origin: germline. Affected: yes. Observed: 1 variant allele.
Comment: SRCAP: BP4, BS1, BS2

GeneDx
Classification: Likely benign. Last evaluated: 2021-05-05. Review status: criteria provided, single submitter. Criteria: GeneDx Variant Classification Process June 2021. Collection method: clinical testing. Allele origin: germline. Affected: yes.
Comment: See Variant Classification Assertion Criteria.

Eurofins Ntd Llc (ga)
Classification: Benign. Last evaluated: 2018-03-20. Review status: criteria provided, single submitter. Criteria: EGL ClinVar v180209 classification definitions. Collection method: clinical testing. Allele origin: germline. Observed: 1 variant allele, 1 heterozygote.

Breakthrough Genomics
Classification: Likely benign. Review status: criteria provided, single submitter. Criteria: ACMG Guidelines, 2015. Collection method: not provided. Allele origin: germline. Inheritance: Autosomal dominant inheritance. Affected: yes.